The following is an entry in ClinVar:

ClinVar aggregate classification (germline): Uncertain significance (1 of 4 stars; one submission).

Conditions:
MHC class II deficiency. Also called: BLS, TYPE II; Bare lymphocyte syndrome 2. Identifiers: Orphanet 572, MedGen C5447452, MONDO:0008855.

Submission:

Labcorp Genetics (formerly Invitae), Labcorp
Classification: Uncertain significance for MHC class II deficiency. Last evaluated: 2021-10-24. Review status: criteria provided, single submitter. Criteria: Invitae Variant Classification Sherloc (09022015). Collection method: clinical testing. Allele origin: germline.
Comment: In summary, the available evidence is currently insufficient to determine the role of this variant in disease. Therefore, it has been classified as a Variant of Uncertain Significance. This sequence change replaces glycine, a(n) neutral and non-polar amino acid, with arginine, a(n) basic and polar amino acid, at codon 397 of the RFX5 protein (p.Gly397Arg). This variant is not present in population databases (gnomAD no frequency). This variant has not been reported in the literature in individuals affected with RFX5-related conditions. Algorithms developed to predict the effect of missense changes on protein structure and function (SIFT, PolyPhen-2, Align-GVGD) all suggest that this variant is likely to be tolerated. Algorithms developed to predict the effect of sequence changes on RNA splicing suggest that this variant may create or strengthen a splice site.

NM_001025603.2(RFX5):c.1189G>A (p.Gly397Arg)

Gene: RFX5 (regulatory factor X5; minus strand). Cytogenetic location: 1q21.3.
Variant type: single nucleotide variant.
Coding change: c.1189G>A on transcript NM_001025603.2 (MANE Select); coding-DNA position 1189, G replaced by A.
Protein change: p.Gly397Arg; replaces glycine 397 with arginine.
Molecular consequence: missense variant.
Genome position (GRCh38, 1-based): chr1:151,342,848, C>T on the plus strand (G>A on the coding strand, the complement: RFX5 is on the minus strand). VCF-style: chr1-151342848-C-T. GRCh37 (hg19) VCF-style: chr1-151315324-C-T.
Other names: c.1189G>A, p.Gly397Arg (NM_000449.4, NM_001379412.1, NM_001379413.1 and 5 more transcripts); c.1069G>A, p.Gly357Arg (NM_001379419.1, NM_001379420.1); short protein forms G357R, G397R.
Identifiers: ClinVar variation 1422643 (VCV001422643.6), dbSNP rs2102060483, ClinGen allele CA341928835.